The following is an entry in ClinVar:

ClinVar aggregate classification (germline): Uncertain significance (1 of 4 stars; one submission).

Conditions:
Spinocerebellar ataxia type 19/22 (SCA19). Also called: SPINOCEREBELLAR ATAXIA 19; SPINOCEREBELLAR ATAXIA 22. Identifiers: Orphanet 98772, MedGen C1846367, MONDO:0011819, OMIM 607346.

Submission:

Labcorp Genetics (formerly Invitae), Labcorp
Classification: Uncertain significance for Spinocerebellar ataxia type 19/22. Last evaluated: 2018-02-15. Review status: criteria provided, single submitter. Criteria: Invitae Variant Classification Sherloc (09022015). Collection method: clinical testing. Allele origin: germline.
Comment: Algorithms developed to predict the effect of missense changes on protein structure and function (SIFT, PolyPhen-2, Align-GVGD) all suggest that this variant is likely to be tolerated, but these predictions have not been confirmed by published functional studies and their clinical significance is uncertain. This sequence change replaces isoleucine with threonine at codon 645 of the KCND3 protein (p.Ile645Thr). The isoleucine residue is weakly conserved and there is a moderate physicochemical difference between isoleucine and threonine. This variant is not present in population databases (ExAC no frequency). This variant has not been reported in the literature in individuals with KCND3-related disease. In summary, the available evidence is currently insufficient to determine the role of this variant in disease. Therefore, it has been classified as a Variant of Uncertain Significance.

NM_001378969.1(KCND3):c.1934T>C (p.Ile645Thr)

Gene: KCND3 (potassium voltage-gated channel subfamily D member 3; minus strand). Cytogenetic location: 1p13.2.
Variant type: single nucleotide variant.
Coding change: c.1934T>C on transcript NM_001378969.1 (MANE Select); coding-DNA position 1934, T replaced by C.
Protein change: p.Ile645Thr; replaces isoleucine 645 with threonine.
Molecular consequence: missense variant.
Genome position (GRCh38, 1-based): chr1:111,776,111, A>G on the plus strand (T>C on the coding strand, the complement: KCND3 is on the minus strand). VCF-style: chr1-111776111-A-G. GRCh37 (hg19) VCF-style: chr1-112318733-A-G.
Other names: c.1877T>C, p.Ile626Thr (NM_001378970.1, NM_172198.3); c.1934T>C, p.Ile645Thr (NM_004980.5); short protein forms I645T, I626T.
Identifiers: ClinVar variation 579054 (VCV000579054.8), dbSNP rs1557929628, ClinGen allele CA341655147.